The following is an entry in ClinVar:

ClinVar aggregate classification (germline): Uncertain significance (1 of 4 stars; one submission).

Conditions:
Retinoblastoma (RB1). Also called: RETINOBLASTOMA, SOMATIC. Identifiers: Orphanet 790, MedGen C0035335, MeSH D012175, MONDO:0008380, OMIM 180200, HP:0009919. Disease mechanism: loss of function. Inheritance: Both sporadic and heritable forms are tested..

Submission:

Labcorp Genetics (formerly Invitae), Labcorp
Classification: Uncertain significance for Retinoblastoma. Last evaluated: 2024-12-12. Review status: criteria provided, single submitter. Criteria: Invitae Variant Classification Sherloc (09022015). Collection method: clinical testing. Allele origin: germline.
Comment: This variant occurs in a non-coding region of the RB1 gene. It does not change the encoded amino acid sequence of the RB1 protein. This variant is not present in population databases (gnomAD no frequency). This variant has not been reported in the literature in individuals affected with RB1-related conditions. In summary, the available evidence is currently insufficient to determine the role of this variant in disease. Therefore, it has been classified as a Variant of Uncertain Significance.

NM_000321.3(RB1):c.-150G>A

Gene: RB1 (RB transcriptional corepressor 1; plus strand). Cytogenetic location: 13q14.2.
Variant type: single nucleotide variant.
Coding change: c.-150G>A on transcript NM_000321.3 (MANE Select); 150 bases upstream of the start codon, G replaced by A.
Molecular consequence: 5 prime UTR variant.
Genome position (GRCh38, 1-based): chr13:48,303,763, G>A. VCF-style: chr13-48303763-G-A. GRCh37 (hg19) VCF-style: chr13-48877899-G-A.
Other names: c.-150G>A (NM_001407165.1, NM_001407166.1, NM_001407167.1).
Identifiers: ClinVar variation 3684156 (VCV003684156.2).